The following is an entry in ClinVar:

ClinVar aggregate classification (germline): Uncertain significance (1 of 4 stars; one submission).

Conditions:
Glycogen storage disease type III (GSD3). Also called: Cori disease; FORBES DISEASE. Identifiers: Orphanet 366, MedGen C0017922, MONDO:0009291, OMIM 232400.

Submission:

Labcorp Genetics (formerly Invitae), Labcorp
Classification: Uncertain significance for Glycogen storage disease type III. Last evaluated: 2018-12-28. Review status: criteria provided, single submitter. Criteria: Invitae Variant Classification Sherloc (09022015). Collection method: clinical testing. Allele origin: germline.
Comment: This sequence change replaces cysteine with serine at codon 528 of the AGL protein (p.Cys528Ser). The cysteine residue is moderately conserved and there is a moderate physicochemical difference between cysteine and serine. This variant is not present in population databases (ExAC no frequency). This variant has not been reported in the literature in individuals with AGL-related conditions. Algorithms developed to predict the effect of missense changes on protein structure and function are either unavailable or do not agree on the potential impact of this missense change (SIFT: "Deleterious"; PolyPhen-2: "Probably Damaging"; Align-GVGD: "Class C0"). In summary, the available evidence is currently insufficient to determine the role of this variant in disease. Therefore, it has been classified as a Variant of Uncertain Significance.

NM_000642.3(AGL):c.1582T>A (p.Cys528Ser)

Gene: AGL (amylo-alpha-1,6-glucosidase and 4-alpha-glucanotransferase; plus strand). Cytogenetic location: 1p21.2.
Variant type: single nucleotide variant.
Coding change: c.1582T>A on transcript NM_000642.3 (MANE Select); coding-DNA position 1582, T replaced by A.
Protein change: p.Cys528Ser; replaces cysteine 528 with serine.
Molecular consequence: missense variant.
Genome position (GRCh38, 1-based): chr1:99,877,799, T>A. VCF-style: chr1-99877799-T-A. GRCh37 (hg19) VCF-style: chr1-100343355-T-A.
Other names: c.1582T>A, p.Cys528Ser (NM_000028.3, NM_000643.3, NM_000644.3 and 2 more transcripts); c.1534T>A, p.Cys512Ser (NM_000646.3); c.1381T>A, p.Cys461Ser (NM_001425327.1); c.1378T>A, p.Cys460Ser (NM_001425328.1, NM_001425329.1); c.1204T>A, p.Cys402Ser (NM_001425332.1); short protein forms C512S, C528S, C402S, C460S, C461S.
Identifiers: ClinVar variation 646804 (VCV000646804.1), dbSNP rs1570438541, ClinGen allele CA341314829.